The following is an entry in ClinVar:

ClinVar aggregate classification (germline): Uncertain significance. Review status: criteria provided, multiple submitters, no conflicts (2 of 4 stars). 2 submissions from 2 submitters: Uncertain significance (2). Last evaluated 2023-05-16.

Allele frequency attached by ClinVar (database versions not stated): ExAC 0.00001; gnomAD 0.00001; TOPMed 0.00001.
gnomAD v4.1: 16 of 1,612,050 alleles (0.00099%); highest among the groups gnomAD compares: East Asian, 0.034%; no homozygotes.

Submissions (2):

Women's Health and Genetics/Laboratory Corporation of America, LabCorp
Classification: Uncertain significance. Last evaluated: 2023-05-16. Review status: criteria provided, single submitter. Criteria: LabCorp Variant Classification Summary - May 2015. Collection method: clinical testing. Allele origin: germline.
Comment: Variant summary: TTN c.44645G>A (p.Arg14882Lys) results in a conservative amino acid change located in the A-band of the encoded protein sequence. Three of four in-silico tools predict a benign effect of the variant on protein function. The variant allele was found at a frequency of 1.2e-05 in 246222 control chromosomes. The available data on variant occurrences in the general population are insufficient to allow any conclusion about variant significance. To our knowledge, no occurrence of c.44645G>A in individuals affected with Dilated Cardiomyopathy and no experimental evidence demonstrating its impact on protein function have been reported. One clinical diagnostic laboratory has submitted clinical-significance assessments for this variant to ClinVar after 2014 without evidence for independent evaluation, and classified the variant as uncertain significance. Based on the evidence outlined above, the variant was classified as uncertain significance.

Revvity Omics, Revvity
Classification: Uncertain significance. Last evaluated: 2022-02-16. Review status: criteria provided, single submitter. Criteria: ACMG Guidelines, 2015. Collection method: clinical testing. Allele origin: germline.

NM_001267550.2(TTN):c.52349G>A (p.Arg17450Lys)

Genes: TTN (titin; minus strand), TTN-AS1 (TTN antisense RNA 1; plus strand). Cytogenetic location: 2q31.2.
Variant type: single nucleotide variant.
Coding change: c.52349G>A on transcript NM_001267550.2 (MANE Select); coding-DNA position 52349, G replaced by A.
Protein change: p.Arg17450Lys; replaces arginine 17450 with lysine.
Molecular consequence: missense variant.
Genome position (GRCh38, 1-based): chr2:178,608,662, C>T on the plus strand (G>A on the coding strand, the complement: TTN is on the minus strand). VCF-style: chr2-178608662-C-T. GRCh37 (hg19) VCF-style: chr2-179473389-C-T.
Other names: c.47426G>A, p.Arg15809Lys (NM_001256850.1); c.25154G>A, p.Arg8385Lys (NM_003319.4); c.44645G>A, p.Arg14882Lys (NM_133378.4); c.25529G>A, p.Arg8510Lys (NM_133432.3); c.25730G>A, p.Arg8577Lys (NM_133437.4); short protein forms R14882K, R15809K, R17450K, R8385K, R8510K, R8577K.
Identifiers: ClinVar variation 2438376 (VCV002438376.4), dbSNP rs778572247, ClinGen allele CA1994013.
Genomic context (GRCh38, chr2:178,608,662, plus strand): 5'-TTACCAAATGGATCTTTAGCCACAAGTGGCTTTGAAACACATGGTGGACCTGGCCCAAAT[C>T]TGTTTTCAGCTCTTACACGGAAGAGGTACTCTTTTCCTTCAATCAGTTTTGTTACTGAAT-3'
Protein context (NP_001254479.2, residues 17440-17460): EYLFRVRAEN[Arg17450Lys]FGPGPPCVSK